The following is an entry in ClinVar:

NM_000337.6(SGCD):c.622G>A (p.Val208Met)

Gene: SGCD (sarcoglycan delta; plus strand). Cytogenetic location: 5q33.3.
Variant type: single nucleotide variant.
Coding change: c.622G>A on transcript NM_000337.6 (MANE Select); coding-DNA position 622, G replaced by A.
Protein change: p.Val208Met; replaces valine 208 with methionine.
Molecular consequence: missense variant.
Genome position (GRCh38, 1-based): chr5:156,757,627, G>A. VCF-style: chr5-156757627-G-A. GRCh37 (hg19) VCF-style: chr5-156184638-G-A.
Other names: c.619G>A, p.Val207Met (NM_001128209.2); c.622G>A, p.Val208Met (NM_172244.3); short protein forms V208M, V207M.
Identifiers: ClinVar variation 2156944 (VCV002156944.2), dbSNP rs752456672, ClinGen allele CA3530646.

ClinVar aggregate classification (germline): Uncertain significance (1 of 4 stars; one submission).

Conditions:
Autosomal recessive limb-girdle muscular dystrophy type 2F (LGMDR6). Also called: Muscular dystrophy limb-girdle with delta-sarcoglyan deficiency; MUSCULAR DYSTROPHY, LIMB-GIRDLE, AUTOSOMAL RECESSIVE 6. Identifiers: Orphanet 219, MedGen C1832525, MONDO:0011028, OMIM 601287. Disease mechanism: Affects gamma-sarcoglycan and also disrupts the integrity of the entire sarcoglycan complex..

Allele frequency attached by ClinVar (database versions not stated): gnomAD exomes below 0.00001; ExAC 0.00001.
gnomAD v4.1: 1 of 1,611,924 alleles (0.000062%); highest among the groups gnomAD compares: Non-Finnish European, 0.000085%; no homozygotes.

Submission:

Labcorp Genetics (formerly Invitae), Labcorp
Classification: Uncertain significance for Autosomal recessive limb-girdle muscular dystrophy type 2F. Last evaluated: 2022-05-21. Review status: criteria provided, single submitter. Criteria: Invitae Variant Classification Sherloc (09022015). Collection method: clinical testing. Allele origin: germline.
Comment: The frequency data for this variant in the population databases is considered unreliable, as metrics indicate poor data quality at this position in the gnomAD database. This sequence change replaces valine, which is neutral and non-polar, with methionine, which is neutral and non-polar, at codon 208 of the SGCD protein (p.Val208Met). This variant has not been reported in the literature in individuals affected with SGCD-related conditions. In summary, the available evidence is currently insufficient to determine the role of this variant in disease. Therefore, it has been classified as a Variant of Uncertain Significance. Algorithms developed to predict the effect of missense changes on protein structure and function are either unavailable or do not agree on the potential impact of this missense change (SIFT: "Deleterious"; PolyPhen-2: "Possibly Damaging"; Align-GVGD: "Class C0").